The following is an entry in ClinVar:

NM_001197104.2(KMT2A):c.9449C>T (p.Pro3150Leu)

Gene: KMT2A (lysine methyltransferase 2A; plus strand). Cytogenetic location: 11q23.3.
Variant type: single nucleotide variant.
Coding change: c.9449C>T on transcript NM_001197104.2 (MANE Select); coding-DNA position 9449, C replaced by T.
Protein change: p.Pro3150Leu; replaces proline 3150 with leucine.
Molecular consequence: missense variant.
Genome position (GRCh38, 1-based): chr11:118,505,341, C>T. VCF-style: chr11-118505341-C-T. GRCh37 (hg19) VCF-style: chr11-118376056-C-T.
Other names: c.9539C>T, p.Pro3180Leu (NM_001412597.1); c.9440C>T, p.Pro3147Leu (NM_005933.4); short protein forms P3147L, P3150L, P3180L.
Identifiers: ClinVar variation 4071905 (VCV004071905.1).
Genomic context (GRCh38, chr11:118,505,341, plus strand): 5'-GTGGTCTCACCCTTACCACAGGACTAAATCCAAGCTTGCCAACTTCTCAATCTTTGTTCC[C>T]TTCTGCTAGCAAAGGATTGCTACCCATGTCTCATCACCAGCACTTACATTCCTTCCCTGC-3'
Protein context (NP_001184033.1, residues 3140-3160): PSLPTSQSLF[Pro3150Leu]SASKGLLPMS

ClinVar aggregate classification (germline): Uncertain significance (1 of 4 stars; one submission).

Submission:

GeneDx
Classification: Uncertain significance. Last evaluated: 2025-01-27. Review status: criteria provided, single submitter. Criteria: GeneDx Variant Classification Process June 2021. Collection method: clinical testing. Allele origin: germline. Affected: yes.
Comment: In silico analysis supports that this missense variant has a deleterious effect on protein structure/function; Has not been previously published as pathogenic or benign to our knowledge